The following is an entry in ClinVar:

NM_138694.4(PKHD1):c.1139T>C (p.Phe380Ser)

Gene: PKHD1 (PKHD1 ciliary IPT domain containing fibrocystin/polyductin; minus strand). Cytogenetic location: 6p12.2.
Variant type: single nucleotide variant.
Coding change: c.1139T>C on transcript NM_138694.4 (MANE Select); coding-DNA position 1139, T replaced by C.
Protein change: p.Phe380Ser; replaces phenylalanine 380 with serine.
Molecular consequence: missense variant.
Genome position (GRCh38, 1-based): chr6:52,060,022, A>G on the plus strand (T>C on the coding strand, the complement: PKHD1 is on the minus strand). VCF-style: chr6-52060022-A-G. GRCh37 (hg19) VCF-style: chr6-51924820-A-G.
Other names: c.1139T>C, p.Phe380Ser (NM_170724.3); short protein forms F380S.
Identifiers: ClinVar variation 3338394 (VCV003338394.10).
Genomic context (GRCh38, chr6:52,060,022, plus strand): 5'-AAGGAAGCTTGGCTATCTGCCTGAATCCAGAAAGTGTAATTATTTGTCTCTGGAGCCACA[A>G]AGAACCCACTGAGCCGTGCTCTGTAAAGTAGAACATAGAGTCAAGCAAGAGTAACCAAGG-3'
Protein context (NP_619639.3, residues 370-390): QPFRARLSGF[Phe380Ser]VAPETNNYTF

ClinVar aggregate classification (germline): Conflicting classifications of pathogenicity. Review status: criteria provided, conflicting classifications (1 of 4 stars). 5 submissions from 5 submitters: Likely pathogenic (1); Uncertain significance (4). Last evaluated 2025-08-13.

Conditions:
Polycystic kidney disease 4 (PKD4). Also called: POLYCYSTIC KIDNEY AND HEPATIC DISEASE 1; POLYCYSTIC KIDNEY DISEASE, INFANTILE, TYPE I; POLYCYSTIC KIDNEY DISEASE 4 WITH OR WITHOUT POLYCYSTIC LIVER DISEASE; PKD3; Autosomal Recessive Polycystic Kidney Disease – PKHD1. Identifiers: MedGen C4540575, MONDO:0033004, OMIM 263200.

Submissions (5):

Dasa
Classification: Uncertain significance. Last evaluated: 2025-08-13. Review status: criteria provided, single submitter. Criteria: DASA Assertion Criteria. Collection method: clinical testing. Allele origin: germline.
Comment: NM_138694.4(PKHD1):c.1139T>C (p.Phe380Ser) is a missense variant that results in the substitution of phenylalanine with serine. This variant is rare in population databases. Computational prediction algorithms are consistent with a deleterious effect. The currently available literature and clinical evidence are not sufficient to establish a definitive association between this variant and the reported condition. Therefore, this variant is classified as a variant of uncertain significance.

MVZ Medizinische Genetik Mainz
Classification: Uncertain significance for Polycystic kidney disease 4. Last evaluated: 2024-08-21. Review status: criteria provided, single submitter. Criteria: UK Practice Guidelines For Variant Classification V4 01 2020. Collection method: clinical testing. Allele origin: germline. Inheritance: Autosomal recessive inheritance. Affected: yes. Observed: 1 variant allele.
Comment: ACMG Criteria: PM2_SUP,PM3_SUP,PP3,PP4; Compound Heterozygote

Fulgent Genetics
Classification: Uncertain significance for Polycystic kidney disease 4. Last evaluated: 2024-05-13. Review status: criteria provided, single submitter. Criteria: ACMG Guidelines, 2015. Collection method: clinical testing. Allele origin: germline.

Institute of Human Genetics Munich, TUM University Hospital
Classification: Likely pathogenic for Polycystic kidney disease 4. Last evaluated: 2023-11-15. Review status: criteria provided, single submitter. Criteria: Classification criteria August 2017. Collection method: clinical testing. Allele origin: maternal. Inheritance: Autosomal recessive inheritance. Affected: yes. Observed: 1 variant allele.

Blueprint Genetics
Classification: Uncertain significance. Last evaluated: 2020-07-29. Review status: criteria provided, single submitter. Criteria: ACMG Guidelines, 2015. Collection method: clinical testing. Allele origin: germline.